The following is an entry in ClinVar:

NM_006172.4(NPPA):c.-9G>A

Genes: NPPA (natriuretic peptide A; minus strand), LOC114827827 (VISTA enhancer hs2123; plus strand). Cytogenetic location: 1p36.22.
Variant type: single nucleotide variant.
Coding change: c.-9G>A on transcript NM_006172.4 (MANE Select); 9 bases upstream of the start codon, G replaced by A.
Molecular consequence: 5 prime UTR variant.
Genome position (GRCh38, 1-based): chr1:11,847,693, C>T on the plus strand (G>A on the coding strand, the complement: NPPA is on the minus strand). VCF-style: chr1-11847693-C-T. GRCh37 (hg19) VCF-style: chr1-11907750-C-T.
Identifiers: ClinVar variation 4980517 (VCV004980517.1).

ClinVar aggregate classification (germline): Likely benign (1 of 4 stars; one submission).

Conditions:
NPPA-related disorder. Also called: NPPA-related condition.

gnomAD v4.1: 282 of 1,614,034 alleles (0.017%); highest among the groups gnomAD compares: South Asian, 0.28%; 1 homozygote.

Submission:

PreventionGenetics, part of Exact Sciences
Classification: Likely benign for NPPA-related condition. Last evaluated: 2026-03-04. Review status: criteria provided, single submitter. Criteria: ACMG Guidelines, 2015. Collection method: clinical testing. Allele origin: germline.
Comment: This variant is classified as likely benign based on ACMG/AMP sequence variant interpretation guidelines (Richards et al. 2015 PMID: 25741868, with internal and published modifications).